The following is an entry in ClinVar:

NM_001105206.3(LAMA4):c.3046A>C (p.Ile1016Leu)

Gene: LAMA4 (laminin subunit alpha 4; minus strand). Cytogenetic location: 6q21.
Variant type: single nucleotide variant.
Coding change: c.3046A>C on transcript NM_001105206.3 (MANE Select); coding-DNA position 3046, A replaced by C.
Protein change: p.Ile1016Leu; replaces isoleucine 1016 with leucine.
Molecular consequence: missense variant.
Genome position (GRCh38, 1-based): chr6:112,139,816, T>G on the plus strand (A>C on the coding strand, the complement: LAMA4 is on the minus strand). VCF-style: chr6-112139816-T-G. GRCh37 (hg19) VCF-style: chr6-112461018-T-G.
Other names: c.3025A>C (NM_002290.3); c.3025A>C, p.Ile1009Leu (NM_001105207.3, NM_002290.5); short protein forms I1016L, I1009L.
Identifiers: ClinVar variation 1427711 (VCV001427711.10), dbSNP rs371942674, ClinGen allele CA3965330.
Genomic context (GRCh38, chr6:112,139,816, plus strand): 5'-CACATGGCACTGATGTGGAGGGGTCCATATTATAGATGTGCTTAAAGTTGTACAAGCTGA[T>G]CACATCATTATTCAAAGTGGCCAGTTCCAGGCAGCCAACAAAGCCAGGCAGGTTTAAGCT-3'
Protein context (NP_001098676.2, residues 1006-1026): LELATLNNDV[Ile1016Leu]SLYNFKHIYN

ClinVar aggregate classification (germline): Uncertain significance. Review status: criteria provided, multiple submitters, no conflicts (2 of 4 stars). 2 submissions from 2 submitters: Uncertain significance (2). Last evaluated 2026-03-21.

Conditions:
Cardiovascular phenotype. Identifiers: MedGen CN230736.
Dilated cardiomyopathy 1JJ (CMD1JJ). Identifiers: Orphanet 154, MedGen C3808935, MONDO:0014095, OMIM 615235.

Allele frequency attached by ClinVar (database versions not stated): ExAC 0.00001; gnomAD exomes 0.00001 and below 0.00001; gnomAD 0.00001; TOPMed 0.00001; ESP Exome Variant Server 0.00008.
gnomAD v4.1: 3 of 1,613,900 alleles (0.00019%); highest among the groups gnomAD compares: African/African-American, 0.0027%; no homozygotes.

Submissions (2):

Ambry Genetics
Classification: Uncertain significance for Cardiovascular phenotype. Last evaluated: 2026-03-21. Review status: criteria provided, single submitter. Criteria: Ambry Variant Classification Scheme 2023. Collection method: clinical testing. Allele origin: germline.
Comment: The p.I1009L variant (also known as c.3025A>C), located in coding exon 22 of the LAMA4 gene, results from an A to C substitution at nucleotide position 3025. The isoleucine at codon 1009 is replaced by leucine, an amino acid with highly similar properties. This amino acid position is conserved. In addition, this alteration is predicted to be tolerated by in silico analysis. Based on the available evidence, the clinical significance of this variant remains unclear.

Labcorp Genetics (formerly Invitae), Labcorp
Classification: Uncertain significance for Dilated cardiomyopathy 1JJ. Last evaluated: 2023-01-01. Review status: criteria provided, single submitter. Criteria: Invitae Variant Classification Sherloc (09022015). Collection method: clinical testing. Allele origin: germline.
Comment: In summary, the available evidence is currently insufficient to determine the role of this variant in disease. Therefore, it has been classified as a Variant of Uncertain Significance. Algorithms developed to predict the effect of missense changes on protein structure and function are either unavailable or do not agree on the potential impact of this missense change (SIFT: "Deleterious"; PolyPhen-2: "Benign"; Align-GVGD: "Class C0"). ClinVar contains an entry for this variant (Variation ID: 1427711). This variant has not been reported in the literature in individuals affected with LAMA4-related conditions. This variant is present in population databases (rs371942674, gnomAD 0.007%). This sequence change replaces isoleucine, which is neutral and non-polar, with leucine, which is neutral and non-polar, at codon 1009 of the LAMA4 protein (p.Ile1009Leu).